The following is an entry in ClinVar:

ClinVar aggregate classification (germline): Benign (1 of 4 stars; one submission).

Conditions:
Leigh syndrome (NULS). Also called: Leigh's necrotizing encephalopathy; Leigh's disease; Leigh Syndrome (mtDNA deletion); Leigh Disease; Subacute necrotizing encephalopathy; Necrotizing encephalopathy infantile subacute of Leigh. Identifiers: Orphanet 506, MedGen C2931891, MONDO:0009723, OMIM 256000.

Submission:

Wong Mito Lab, Molecular and Human Genetics, Baylor College of Medicine
Classification: Benign for Leigh syndrome. Last evaluated: 2019-10-17. Review status: criteria provided, single submitter. Criteria: Modified ACMG Guidelines (Unpublished). Collection method: clinical testing. Allele origin: germline.
Comment: The NC_012920.1:m.7934A>G (YP_003024029.1:p.Ile117Val) variant in MTCO2 gene is interpretated to be a Benign variant based on the modified ACMG guidelines (unpublished). This variant meets the following evidence codes: BS1, BS4, BP4

NC_012920.1(MT-CO2):m.7934A>G

Gene: MT-CO2 (mitochondrially encoded cytochrome c oxidase II; plus strand).
Variant type: single nucleotide variant.
Genome position: chrM-7934-A-G.
Identifiers: ClinVar variation 692799 (VCV000692799.1), dbSNP rs374261450, ClinGen allele CA337097725.